The following is an entry in ClinVar:

ClinVar aggregate classification (germline): Uncertain significance. Review status: criteria provided, multiple submitters, no conflicts (2 of 4 stars). 2 submissions from 2 submitters: Uncertain significance (2). Last evaluated 2024-09-23.

Conditions:
Long QT syndrome (LQTS). Identifiers: MedGen C0023976, MeSH D008133, MONDO:0002442. Disease mechanism: loss of function. Inheritance: Various modes of inheritance.

Allele frequency attached by ClinVar (database versions not stated): gnomAD 0.00001; ExAC 0.00011; TOPMed below 0.00001.
gnomAD v4.1: 6 of 1,503,500 alleles (0.0004%); highest among the groups gnomAD compares: Non-Finnish European, 0.00053%; no homozygotes.

Submissions (2):

Labcorp Genetics (formerly Invitae), Labcorp
Classification: Uncertain significance for Long QT syndrome. Last evaluated: 2024-09-23. Review status: criteria provided, single submitter. Criteria: Invitae Variant Classification Sherloc (09022015). Collection method: clinical testing. Allele origin: germline.
Comment: This sequence change replaces glycine, which is neutral and non-polar, with arginine, which is basic and polar, at codon 97 of the SNTA1 protein (p.Gly97Arg). This variant is present in population databases (rs761024617, gnomAD 0.006%). This variant has not been reported in the literature in individuals affected with SNTA1-related conditions. ClinVar contains an entry for this variant (Variation ID: 2428877). Invitae Evidence Modeling of protein sequence and biophysical properties (such as structural, functional, and spatial information, amino acid conservation, physicochemical variation, residue mobility, and thermodynamic stability) indicates that this missense variant is expected to disrupt SNTA1 protein function with a positive predictive value of 80%. In summary, the available evidence is currently insufficient to determine the role of this variant in disease. Therefore, it has been classified as a Variant of Uncertain Significance.

GeneDx
Classification: Uncertain significance. Last evaluated: 2024-01-11. Review status: criteria provided, single submitter. Criteria: GeneDx Variant Classification Process June 2021. Collection method: clinical testing. Allele origin: germline.
Comment: Has not been previously published as pathogenic or benign to our knowledge; Not observed at significant frequency in large population cohorts (gnomAD); In silico analysis supports that this missense variant has a deleterious effect on protein structure/function

NM_003098.3(SNTA1):c.289G>C (p.Gly97Arg)

Genes: SNTA1 (syntrophin alpha 1; minus strand), LOC130065679 (ATAC-STARR-seq lymphoblastoid silent region 12811; plus strand). Cytogenetic location: 20q11.21.
Variant type: single nucleotide variant.
Coding change: c.289G>C on transcript NM_003098.3 (MANE Select); coding-DNA position 289, G replaced by C.
Protein change: p.Gly97Arg; replaces glycine 97 with arginine.
Molecular consequence: missense variant.
Genome position (GRCh38, 1-based): chr20:33,443,332, C>G on the plus strand (G>C on the coding strand, the complement: SNTA1 is on the minus strand). VCF-style: chr20-33443332-C-G. GRCh37 (hg19) VCF-style: chr20-32031138-C-G.
Other names: short protein forms G97R.
Identifiers: ClinVar variation 2428877 (VCV002428877.5), dbSNP rs761024617, ClinGen allele CA9817261.